The following is an entry in ClinVar:

NM_152564.5(VPS13B):c.8330C>T (p.Ser2777Phe)

Gene: VPS13B (vacuolar protein sorting 13 homolog B; plus strand). Cytogenetic location: 8q22.2.
Variant type: single nucleotide variant.
Coding change: c.8330C>T on transcript NM_152564.5 (MANE Select); coding-DNA position 8330, C replaced by T.
Protein change: p.Ser2777Phe; replaces serine 2777 with phenylalanine.
Molecular consequence: missense variant.
Genome position (GRCh38, 1-based): chr8:99,817,772, C>T. VCF-style: chr8-99817772-C-T. GRCh37 (hg19) VCF-style: chr8-100830000-C-T.
Other names: c.8405C>T, p.Ser2802Phe (NM_017890.5); short protein forms S2777F, S2802F.
Identifiers: ClinVar variation 1373257 (VCV001373257.5), dbSNP rs2130811098, ClinGen allele CA371773380.

ClinVar aggregate classification (germline): Uncertain significance (1 of 4 stars; one submission).

Conditions:
Cohen syndrome (COH1). Also called: PEPPER SYNDROME; Cutis verticis gyrata, retinitis pigmentosa, and sensorineural deafness. Identifiers: Orphanet 193, MedGen C0265223, MONDO:0008999, OMIM 216550.

Submission:

Labcorp Genetics (formerly Invitae), Labcorp
Classification: Uncertain significance for Cohen syndrome. Last evaluated: 2022-06-13. Review status: criteria provided, single submitter. Criteria: Invitae Variant Classification Sherloc (09022015). Collection method: clinical testing. Allele origin: germline.
Comment: This sequence change replaces serine with phenylalanine at codon 2802 of the VPS13B protein (p.Ser2802Phe). The serine residue is moderately conserved and there is a large physicochemical difference between serine and phenylalanine. This variant is not present in population databases (gnomAD no frequency). This variant has not been reported in the literature in individuals affected with VPS13B-related conditions. Algorithms developed to predict the effect of missense changes on protein structure and function are either unavailable or do not agree on the potential impact of this missense change (SIFT: "Not Available"; PolyPhen-2: "Possibly Damaging"; Align-GVGD: "Not Available"). In summary, the available evidence is currently insufficient to determine the role of this variant in disease. Therefore, it has been classified as a Variant of Uncertain Significance.